The following is an entry in ClinVar:

NM_017491.5(WDR1):c.511G>A (p.Ala171Thr)

Gene: WDR1 (WD repeat domain 1; minus strand). Cytogenetic location: 4p16.1.
Variant type: single nucleotide variant.
Coding change: c.511G>A on transcript NM_017491.5 (MANE Select); coding-DNA position 511, G replaced by A.
Protein change: p.Ala171Thr; replaces alanine 171 with threonine.
Molecular consequence: missense variant. On other transcripts: intron variant (1).
Genome position (GRCh38, 1-based): chr4:10,097,758, C>T on the plus strand (G>A on the coding strand, the complement: WDR1 is on the minus strand). VCF-style: chr4-10097758-C-T. GRCh37 (hg19) VCF-style: chr4-10099382-C-T.
Other names: c.139-9017G>A (NM_005112.5); c.511G>A (NM_017491.3); short protein forms A171T.
Identifiers: ClinVar variation 1522306 (VCV001522306.6), dbSNP rs376697835, ClinGen allele CA2858037.

ClinVar aggregate classification (germline): Uncertain significance. Review status: criteria provided, multiple submitters, no conflicts (2 of 4 stars). 2 submissions from 2 submitters: Uncertain significance (2). Last evaluated 2025-02-08.

Conditions:
Inborn genetic diseases. Identifiers: MedGen C0950123, MeSH D030342.

Allele frequency attached by ClinVar (database versions not stated): gnomAD exomes 0.00001 and 0.00002; ExAC 0.00002; gnomAD 0.00002 and 0.00003; TOPMed 0.00005; ESP Exome Variant Server 0.00008.

Submissions (2):

Ambry Genetics
Classification: Uncertain significance for Inborn genetic diseases. Last evaluated: 2025-02-08. Review status: criteria provided, single submitter. Criteria: Ambry Variant Classification Scheme 2023. Collection method: clinical testing. Allele origin: germline.

Labcorp Genetics (formerly Invitae), Labcorp
Classification: Uncertain significance. Last evaluated: 2021-09-24. Review status: criteria provided, single submitter. Criteria: Invitae Variant Classification Sherloc (09022015). Collection method: clinical testing. Allele origin: germline.
Comment: This sequence change replaces alanine with threonine at codon 171 of the WDR1 protein (p.Ala171Thr). The alanine residue is moderately conserved and there is a small physicochemical difference between alanine and threonine. This variant is present in population databases (rs376697835, ExAC 0.01%). This variant has not been reported in the literature in individuals with WDR1-related conditions. Algorithms developed to predict the effect of missense changes on protein structure and function (SIFT, PolyPhen-2, Align-GVGD) all suggest that this variant is likely to be tolerated, but these predictions have not been confirmed by published functional studies and their clinical significance is uncertain. In summary, the available evidence is currently insufficient to determine the role of this variant in disease. Therefore, it has been classified as a Variant of Uncertain Significance.